The following is an entry in ClinVar:

NM_002451.4(MTAP):c.691-13A>G

Gene: MTAP (methylthioadenosine phosphorylase; plus strand). Cytogenetic location: 9p21.3.
Variant type: single nucleotide variant.
Coding change: c.691-13A>G on transcript NM_002451.4 (MANE Select); 13 bases into the intron before coding-DNA position 691, A replaced by G.
Molecular consequence: intron variant.
Genome position (GRCh38, 1-based): chr9:21,859,290, A>G. VCF-style: chr9-21859290-A-G. GRCh37 (hg19) VCF-style: chr9-21859289-A-G.
Identifiers: ClinVar variation 366248 (VCV000366248.5), dbSNP rs77412364, ClinGen allele CA5011957.

ClinVar aggregate classification (germline): Benign (1 of 4 stars; one submission).

Conditions:
Diaphyseal medullary stenosis-bone malignancy syndrome. Also called: MYOPATHY, LIMB-GIRDLE, WITH BONE FRAGILITY; BONE DYSPLASIA WITH MALIGNANT FIBROUS HISTIOCYTOMA; BONE DYSPLASIA WITH MEDULLARY FIBROSARCOMA. Identifiers: Orphanet 85182, MedGen C1862177, MONDO:0007205, OMIM 112250.

Allele frequency attached by ClinVar (database versions not stated): gnomAD exomes 0.00031 and 0.00039; ExAC 0.00054; ESP Exome Variant Server 0.00085; gnomAD 0.00087 and 0.00093; TOPMed 0.00092; 1000 Genomes Project 0.00120; 1000 Genomes Project 30x 0.00125.

Submission:

Illumina Laboratory Services, Illumina
Classification: Benign for Diaphyseal medullary stenosis-bone malignancy syndrome. Last evaluated: 2018-01-12. Review status: criteria provided, single submitter. Criteria: ICSL Variant Classification Criteria 13 December 2019. Collection method: clinical testing. Allele origin: germline.
Comment: This variant was observed in the ICSL laboratory as part of a predisposition screen in an ostensibly healthy population. It had not been previously curated by ICSL or reported in the Human Gene Mutation Database (HGMD: prior to June 1st, 2018), and was therefore a candidate for classification through an automated scoring system. Utilizing variant allele frequency, disease prevalence and penetrance estimates, and inheritance mode, an automated score was calculated to assess if this variant is too frequent to cause the disease. Based on the score and internal cut-off values, a variant classified as benign is not then subjected to further curation. The score for this variant resulted in a classification of benign for this disease.